The following is an entry in ClinVar:

NM_001044.5(SLC6A3):c.1090G>A (p.Val364Ile)

Gene: SLC6A3 (solute carrier family 6 member 3). Cytogenetic location: 5p15.33.
Variant type: single nucleotide variant.
Coding change: c.1090G>A on transcript NM_001044.5 (MANE Select); coding-DNA position 1090, G replaced by A.
Protein change: p.Val364Ile; replaces valine 364 with isoleucine.
Molecular consequence: missense variant.
Genome position (GRCh38, 1-based): chr5:1,414,757, C>T on the plus strand (G>A on the coding strand, the complement: SLC6A3 is on the minus strand). VCF-style: chr5-1414757-C-T. GRCh37 (hg19) VCF-style: chr5-1414872-C-T.
Other names: short protein forms V364I.
Identifiers: ClinVar variation 2183664 (VCV002183664.1), dbSNP rs565107249, ClinGen allele CA3186159.

ClinVar aggregate classification (germline): Uncertain significance (1 of 4 stars; one submission).

Conditions:
Parkinsonism-dystonia, infantile. Identifiers: Orphanet 238455, MedGen C2751067, MONDO:0013150.

Allele frequency attached by ClinVar (database versions not stated): TOPMed 0.00002; gnomAD 0.00006; gnomAD exomes 0.00010; 1000 Genomes Project 30x 0.00016; ExAC 0.00016; 1000 Genomes Project 0.00020.
gnomAD v4.1: 159 of 1,612,862 alleles (0.0099%); highest among the groups gnomAD compares: South Asian, 0.14%; no homozygotes.

Submission:

Labcorp Genetics (formerly Invitae), Labcorp
Classification: Uncertain significance for Parkinsonism-dystonia, infantile. Last evaluated: 2022-06-30. Review status: criteria provided, single submitter. Criteria: Invitae Variant Classification Sherloc (09022015). Collection method: clinical testing. Allele origin: germline.
Comment: This sequence change replaces valine, which is neutral and non-polar, with isoleucine, which is neutral and non-polar, at codon 364 of the SLC6A3 protein (p.Val364Ile). This variant is present in population databases (rs565107249, gnomAD 0.1%). This variant has not been reported in the literature in individuals affected with SLC6A3-related conditions. Algorithms developed to predict the effect of missense changes on protein structure and function output the following: SIFT: "Tolerated"; PolyPhen-2: "Benign"; Align-GVGD: "Class C0". The isoleucine amino acid residue is found in multiple mammalian species, which suggests that this missense change does not adversely affect protein function. In summary, the available evidence is currently insufficient to determine the role of this variant in disease. Therefore, it has been classified as a Variant of Uncertain Significance.